The following is an entry in ClinVar:

ClinVar aggregate classification (germline): Pathogenic. Review status: no assertion criteria provided (0 of 4 stars). 2 submissions from 2 submitters: Pathogenic (1). 1 of the submissions does not count toward it. Last evaluated 2012-03-01.

Conditions:
Renal coloboma syndrome (PAPRS). Also called: OPTIC COLOBOMA, VESICOURETERAL REFLUX, AND RENAL ANOMALIES; OPTIC NERVE COLOBOMA WITH RENAL DISEASE; RENAL-COLOBOMA SYNDROME WITH MACULAR ABNORMALITIES; PAPILLORENAL SYNDROME; COLOBOMA OF OPTIC NERVE WITH RENAL DISEASE; PAPILLORENAL SYNDROME WITH MILD OCULAR ABNORMALITIES. Identifiers: Orphanet 1475, MedGen C1852759, MONDO:0007352, OMIM 120330.

Submissions (2):

OMIM
Classification: Pathogenic for PAPILLORENAL SYNDROME. Last evaluated: 2012-03-01. Review status: no assertion criteria provided. Collection method: literature only. Allele origin: germline.

ClinVar Staff, National Center for Biotechnology Information (NCBI)
No classification provided. Review status: no classification provided. Collection method: not provided. Allele origin: unknown. Not counted in ClinVar's aggregate classification.
Comment: Based on information supplied by Graeme Grimes.

Literature cited by the submitters: PubMed 11461952 (cited by OMIM); PubMed 22213154 (cited by OMIM).

NM_000278.5(PAX2):c.706C>T (p.Gln236Ter)

Gene: PAX2 (paired box 2; plus strand). Cytogenetic location: 10q24.31.
Variant type: single nucleotide variant.
Coding change: c.706C>T on transcript NM_000278.5 (MANE Select); coding-DNA position 706, C replaced by T.
Protein change: p.Gln236Ter; replaces glutamine 236 with a stop codon.
Molecular consequence: nonsense.
Genome position (GRCh38, 1-based): chr10:100,806,519, C>T. VCF-style: chr10-100806519-C-T. GRCh37 (hg19) VCF-style: chr10-102566276-C-T.
Other names: 1318C-T; c.799C>T, p.Gln267Ter (NM_001304569.2); c.775C>T, p.Gln259Ter (NM_003987.5, NM_003990.5); c.706C>T, p.Gln236Ter (NM_003988.5, NM_003989.5); short protein forms Q236*, Q259*, Q267*.
Identifiers: ClinVar variation 156296 (VCV000156296.1), dbSNP rs75399846, ClinGen allele CA233171.